The following is an entry in ClinVar:

NM_000540.3(RYR1):c.6650G>A (p.Gly2217Asp)

Gene: RYR1 (ryanodine receptor 1; plus strand). Cytogenetic location: 19q13.2.
Variant type: single nucleotide variant.
Coding change: c.6650G>A on transcript NM_000540.3 (MANE Select); coding-DNA position 6650, G replaced by A.
Protein change: p.Gly2217Asp; replaces glycine 2217 with aspartic acid.
Molecular consequence: missense variant.
Genome position (GRCh38, 1-based): chr19:38,496,316, G>A. VCF-style: chr19-38496316-G-A. GRCh37 (hg19) VCF-style: chr19-38986956-G-A.
Other names: c.6650G>A, p.Gly2217Asp (NM_001042723.2); short protein forms G2217D.
Identifiers: ClinVar variation 3068658 (VCV003068658.2), dbSNP rs2514287243, ClinGen allele CA405666112.

ClinVar aggregate classification (germline): Uncertain significance (1 of 4 stars; one submission).

Conditions:
Malignant hyperthermia, susceptibility to, 1 (MHS1). Also called: RYR1-Related Malignant Hyperthermia Susceptibility; Anesthesia related hyperthermia; Malignant hyperpyrexia; Fulminating hyperpyrexia; Pharmacogenic myopathy; Malignant hyperthermia suceptibility 1. Identifiers: Orphanet 423, MedGen C2930980, MONDO:0007783, OMIM 145600.

Allele frequency attached by ClinVar (database versions not stated): gnomAD exomes below 0.00001.
gnomAD v4.1: 3 of 1,614,058 alleles (0.00019%); highest among the groups gnomAD compares: Non-Finnish European, 0.00017%; no homozygotes.

Submission:

Molecular Genetics, Royal Melbourne Hospital
Classification: Uncertain significance for Malignant hyperthermia, susceptibility to, 1. Last evaluated: 2024-09-08. Review status: criteria provided, single submitter. Criteria: ACMG Guidelines, 2015. Collection method: clinical testing. Allele origin: germline. Inheritance: Autosomal dominant inheritance. Affected: yes.
Comment: This sequence change in RYR1 is predicted to replace glycine with aspartic acid at codon 2217, p.(Gly2217Asp). The glycine residue is highly conserved (100 vertebrates, UCSC), and is located in exon 40 in the central region, amino acids 2,101-2,458, which is defined as a mutational hotspot. There is a moderate physicochemical difference between glycine and aspartic acid. The highest population minor allele frequency in the population database gnomAD v4.1 is 0.0002% (2/1,180,042 alleles) in the European (non-Finnish) population, consistent with malignant hyperthermia susceptibility. To our knowledge, this variant is novel and has not been previously reported in the relevant scientific literature or databases. It has been detected in at least one individual with malignant hyperthermia susceptibility on muscle biopsy (Royal Melbourne Hospital). Computational evidence is uninformative for the missense substitution (REVEL = 0.652) and predicts no impact on splicing (SpliceAI) for the nucleotide change. Based on the classification scheme RMH Modified ACMG Guidelines v1.7.0, this variant is classified as a VARIANT OF UNCERTAIN SIGNIFICANCE. Following criteria are met: PM1.